The following is an entry in ClinVar:

NM_002906.4(RDX):c.1411C>G (p.Pro471Ala)

Gene: RDX (radixin; minus strand). Cytogenetic location: 11q22.3.
Variant type: single nucleotide variant.
Coding change: c.1411C>G on transcript NM_002906.4 (MANE Select); coding-DNA position 1411, C replaced by G.
Protein change: p.Pro471Ala; replaces proline 471 with alanine.
Molecular consequence: missense variant. On other transcripts: intron variant (1).
Genome position (GRCh38, 1-based): chr11:110,233,413, G>C on the plus strand (C>G on the coding strand, the complement: RDX is on the minus strand). VCF-style: chr11-110233413-G-C. GRCh37 (hg19) VCF-style: chr11-110104138-G-C.
Other names: c.1411C>G, p.Pro471Ala (NM_001260492.2, NM_001260493.2); c.1003C>G, p.Pro335Ala (NM_001260494.2); c.370C>G, p.Pro124Ala (NM_001260495.2); c.405-1409C>G (NM_001260496.2); short protein forms P471A, P335A, P124A.
Identifiers: ClinVar variation 302344 (VCV000302344.6), dbSNP rs138560358, ClinGen allele CA6269982.

ClinVar aggregate classification (germline): Uncertain significance. Review status: criteria provided, multiple submitters, no conflicts (2 of 4 stars). 2 submissions from 2 submitters: Uncertain significance (2). Last evaluated 2022-08-04.

Conditions:
Autosomal recessive nonsyndromic hearing loss 24. Identifiers: Orphanet 90636, MedGen C1970239, MONDO:0012602, OMIM 611022.

Allele frequency attached by ClinVar (database versions not stated): TOPMed 0.00010.
gnomAD v4.1: 168 of 1,613,938 alleles (0.01%); highest among the groups gnomAD compares: South Asian, 0.049%; no homozygotes.

Submissions (2):

Labcorp Genetics (formerly Invitae), Labcorp
Classification: Uncertain significance. Last evaluated: 2022-08-04. Review status: criteria provided, single submitter. Criteria: Invitae Variant Classification Sherloc (09022015). Collection method: clinical testing. Allele origin: germline.
Comment: This sequence change replaces proline, which is neutral and non-polar, with alanine, which is neutral and non-polar, at codon 471 of the RDX protein (p.Pro471Ala). This variant is present in population databases (rs138560358, gnomAD 0.06%). This variant has not been reported in the literature in individuals affected with RDX-related conditions. ClinVar contains an entry for this variant (Variation ID: 302344). Algorithms developed to predict the effect of missense changes on protein structure and function (SIFT, PolyPhen-2, Align-GVGD) all suggest that this variant is likely to be tolerated. In summary, the available evidence is currently insufficient to determine the role of this variant in disease. Therefore, it has been classified as a Variant of Uncertain Significance.

Illumina Laboratory Services, Illumina
Classification: Uncertain significance for Autosomal recessive nonsyndromic hearing loss 24. Last evaluated: 2018-01-13. Review status: criteria provided, single submitter. Criteria: ICSL Variant Classification Criteria 13 December 2019. Collection method: clinical testing. Allele origin: germline.